The following is an entry in ClinVar:

NM_005228.5(EGFR):c.922G>A (p.Val308Ile)

Gene: EGFR (epidermal growth factor receptor; plus strand). Cytogenetic location: 7p11.2.
Variant type: single nucleotide variant.
Coding change: c.922G>A on transcript NM_005228.5 (MANE Select); coding-DNA position 922, G replaced by A.
Protein change: p.Val308Ile; replaces valine 308 with isoleucine.
Molecular consequence: missense variant.
Genome position (GRCh38, 1-based): chr7:55,155,862, G>A. VCF-style: chr7-55155862-G-A. GRCh37 (hg19) VCF-style: chr7-55223555-G-A.
Other names: c.787G>A, p.Val263Ile (NM_001346897.2, NM_001346899.2); c.922G>A, p.Val308Ile (NM_001346898.2, NM_201282.2, NM_201283.2 and 1 more transcripts); c.763G>A, p.Val255Ile (NM_001346900.2); c.121G>A, p.Val41Ile (NM_001346941.2); c.922G>A (NM_005228.3); short protein forms V255I, V41I, V263I, V308I.
Identifiers: ClinVar variation 1412523 (VCV001412523.7), dbSNP rs749132706, ClinGen allele CA4265413.

ClinVar aggregate classification (germline): Uncertain significance. Review status: criteria provided, multiple submitters, no conflicts (2 of 4 stars). 2 submissions from 2 submitters: Uncertain significance (2). Last evaluated 2025-04-06.

Conditions:
EGFR-related lung cancer (EGFR). Identifiers: MedGen CN130014.
Hereditary cancer-predisposing syndrome. Also called: Hereditary Cancer Syndrome; Tumor predisposition; Hereditary neoplastic syndrome; Neoplastic Syndromes, Hereditary. Identifiers: Orphanet 140162, MedGen C0027672, MeSH D009386, MONDO:0015356.

Allele frequency attached by ClinVar (database versions not stated): gnomAD exomes below 0.00001; ExAC 0.00001; TOPMed 0.00001.
gnomAD v4.1: 6 of 1,613,810 alleles (0.00037%); highest among the groups gnomAD compares: Non-Finnish European, 0.00051%; no homozygotes.

Submissions (2):

Ambry Genetics
Classification: Uncertain significance for Hereditary cancer-predisposing syndrome. Last evaluated: 2025-04-06. Review status: criteria provided, single submitter. Criteria: Ambry Variant Classification Scheme 2023. Collection method: clinical testing. Allele origin: germline.
Comment: The p.V308I variant (also known as c.922G>A), located in coding exon 8 of the EGFR gene, results from a G to A substitution at nucleotide position 922. The valine at codon 308 is replaced by isoleucine, an amino acid with highly similar properties. This amino acid position is conserved. In addition, the in silico prediction for this alteration is inconclusive. Based on the available evidence, the clinical significance of this variant remains unclear.

Labcorp Genetics (formerly Invitae), Labcorp
Classification: Uncertain significance for EGFR-related lung cancer. Last evaluated: 2025-04-02. Review status: criteria provided, single submitter. Criteria: Invitae Variant Classification Sherloc (09022015). Collection method: clinical testing. Allele origin: germline.
Comment: This sequence change replaces valine, which is neutral and non-polar, with isoleucine, which is neutral and non-polar, at codon 308 of the EGFR protein (p.Val308Ile). This variant is present in population databases (rs749132706, gnomAD 0.0009%). This variant has not been reported in the literature in individuals affected with EGFR-related conditions. ClinVar contains an entry for this variant (Variation ID: 1412523). Invitae Evidence Modeling of protein sequence and biophysical properties (such as structural, functional, and spatial information, amino acid conservation, physicochemical variation, residue mobility, and thermodynamic stability) indicates that this missense variant is not expected to disrupt EGFR protein function with a negative predictive value of 80%. In summary, the available evidence is currently insufficient to determine the role of this variant in disease. Therefore, it has been classified as a Variant of Uncertain Significance.